The following is an entry in ClinVar:

ClinVar aggregate classification (germline): Likely benign (0 of 4 stars; one submission).

Conditions:
TEX15-related disorder. Also called: TEX15-related condition.

Allele frequency attached by ClinVar (database versions not stated): gnomAD exomes 0.00011; ExAC 0.00028; gnomAD 0.00076; 1000 Genomes Project 0.00100; 1000 Genomes Project 30x 0.00109; TOPMed 0.00114; ESP Exome Variant Server 0.00115.
gnomAD v4.1: 281 of 1,611,604 alleles (0.017%); highest among the groups gnomAD compares: African/African-American, 0.25%; no homozygotes.

Submission:

PreventionGenetics, part of Exact Sciences
Classification: Likely benign for TEX15-related condition. Last evaluated: 2022-02-08. Review status: no assertion criteria provided. Collection method: clinical testing. Allele origin: germline.
Comment: This variant is classified as likely benign based on ACMG/AMP sequence variant interpretation guidelines (Richards et al. 2015 PMID: 25741868, with internal and published modifications).

NM_001350162.2(TEX15):c.7540G>A (p.Ala2514Thr)

Gene: TEX15 (testis expressed 15, meiosis and synapsis associated; minus strand). Cytogenetic location: 8p12.
Variant type: single nucleotide variant.
Coding change: c.7540G>A on transcript NM_001350162.2 (MANE Select); coding-DNA position 7540, G replaced by A.
Protein change: p.Ala2514Thr; replaces alanine 2514 with threonine.
Molecular consequence: missense variant.
Genome position (GRCh38, 1-based): chr8:30,842,627, C>T on the plus strand (G>A on the coding strand, the complement: TEX15 is on the minus strand). VCF-style: chr8-30842627-C-T. GRCh37 (hg19) VCF-style: chr8-30700143-C-T.
Other names: c.6391G>A, p.Ala2131Thr (NM_031271.3); short protein forms A2131T, A2514T.
Identifiers: ClinVar variation 3041514 (VCV003041514.2), dbSNP rs137916859, ClinGen allele CA4702492.